The following is an entry in ClinVar:

ClinVar aggregate classification (germline): Uncertain significance. Review status: criteria provided, multiple submitters, no conflicts (2 of 4 stars). 2 submissions from 2 submitters: Uncertain significance (2). Last evaluated 2024-04-27.

Conditions:
Hereditary cancer-predisposing syndrome. Also called: Tumor predisposition; Hereditary neoplastic syndrome; Hereditary Cancer Syndrome; Neoplastic Syndromes, Hereditary. Identifiers: Orphanet 140162, MedGen C0027672, MeSH D009386, MONDO:0015356.

Allele frequency attached by ClinVar (database versions not stated): TOPMed below 0.00001.

Submissions (2):

Ambry Genetics
Classification: Uncertain significance for Hereditary cancer-predisposing syndrome. Last evaluated: 2024-04-27. Review status: criteria provided, single submitter. Criteria: Ambry Variant Classification Scheme 2023. Collection method: clinical testing. Allele origin: germline.
Comment: The p.D553A variant (also known as c.1658A>C), located in coding exon 12 of the MSH3 gene, results from an A to C substitution at nucleotide position 1658. The aspartic acid at codon 553 is replaced by alanine, an amino acid with dissimilar properties. This amino acid position is conserved. In addition, the in silico prediction for this alteration is inconclusive. Based on the available evidence, the clinical significance of this variant remains unclear.

Labcorp Genetics (formerly Invitae), Labcorp
Classification: Uncertain significance. Last evaluated: 2019-08-16. Review status: criteria provided, single submitter. Criteria: Invitae Variant Classification Sherloc (09022015). Collection method: clinical testing. Allele origin: germline.
Comment: In summary, the available evidence is currently insufficient to determine the role of this variant in disease. Therefore, it has been classified as a Variant of Uncertain Significance. Algorithms developed to predict the effect of missense changes on protein structure and function are either unavailable or do not agree on the potential impact of this missense change (SIFT: "Tolerated"; PolyPhen-2: "Probably Damaging"; Align-GVGD: "Class C0"). This variant has not been reported in the literature in individuals with MSH3-related conditions. This variant is not present in population databases (ExAC no frequency). This sequence change replaces aspartic acid with alanine at codon 553 of the MSH3 protein (p.Asp553Ala). The aspartic acid residue is moderately conserved and there is a moderate physicochemical difference between aspartic acid and alanine.

NM_002439.5(MSH3):c.1658A>C (p.Asp553Ala)

Gene: MSH3 (mutS homolog 3; plus strand). Cytogenetic location: 5q14.1.
Variant type: single nucleotide variant.
Coding change: c.1658A>C on transcript NM_002439.5 (MANE Select); coding-DNA position 1658, A replaced by C.
Protein change: p.Asp553Ala; replaces aspartic acid 553 with alanine.
Molecular consequence: missense variant.
Genome position (GRCh38, 1-based): chr5:80,744,510, A>C. VCF-style: chr5-80744510-A-C. GRCh37 (hg19) VCF-style: chr5-80040329-A-C.
Other names: c.1658A>C (NM_002439.3); short protein forms D553A.
Identifiers: ClinVar variation 935473 (VCV000935473.10), dbSNP rs929319397, ClinGen allele CA121301391.